The following is an entry in ClinVar:

NM_006648.4(WNK2):c.1635G>T (p.Arg545Ser)

Gene: WNK2 (WNK lysine deficient protein kinase 2; plus strand). Cytogenetic location: 9q22.31.
Variant type: single nucleotide variant.
Coding change: c.1635G>T on transcript NM_006648.4 (MANE Select); coding-DNA position 1635, G replaced by T.
Protein change: p.Arg545Ser; replaces arginine 545 with serine.
Molecular consequence: missense variant.
Genome position (GRCh38, 1-based): chr9:93,247,635, G>T. VCF-style: chr9-93247635-G-T. GRCh37 (hg19) VCF-style: chr9-96009917-G-T.
Other names: c.1635G>T, p.Arg545Ser (NM_001282394.3); short protein forms R545S.
Identifiers: ClinVar variation 4866632 (VCV004866632.1).

ClinVar aggregate classification (germline): Uncertain significance (1 of 4 stars; one submission).

Submission:

Ambry Genetics
Classification: Uncertain significance. Last evaluated: 2026-04-28. Review status: criteria provided, single submitter. Criteria: Ambry Variant Classification Scheme 2023. Collection method: clinical testing. Allele origin: germline.
Comment: The p.R545S variant (also known as c.1635G>T), located in coding exon 7 of the WNK2 gene, results from a G to T substitution at nucleotide position 1635. The arginine at codon 545 is replaced by serine, an amino acid with dissimilar properties. This amino acid position is conserved. In addition, the in silico prediction for this alteration is inconclusive. Based on the available evidence, the clinical significance of this variant remains unclear.